The following is an entry in ClinVar:

ClinVar aggregate classification (germline): Uncertain significance. Review status: criteria provided, multiple submitters, no conflicts (2 of 4 stars). 2 submissions from 2 submitters: Uncertain significance (2). Last evaluated 2024-09-01.

gnomAD v4.1: 36 of 1,613,318 alleles (0.0022%); highest among the groups gnomAD compares: Non-Finnish European, 0.003%; no homozygotes.

Submissions (2):

GeneDx
Classification: Uncertain significance. Last evaluated: 2024-09-01. Review status: criteria provided, single submitter. Criteria: GeneDx Variant Classification Process June 2021. Collection method: clinical testing. Allele origin: germline. Affected: yes.
Comment: In silico analysis supports that this missense variant has a deleterious effect on protein structure/function; Has not been previously published as pathogenic or benign to our knowledge

Athena Diagnostics
Classification: Uncertain significance. Last evaluated: 2024-03-29. Review status: criteria provided, single submitter. Criteria: Athena Diagnostics Criteria. Collection method: clinical testing. Allele origin: unknown.
Comment: Available data are insufficient to determine the clinical significance of the variant at this time. The frequency of this variant in the general population is uninformative in assessment of its pathogenicity. Computational tools disagree on the variant's effect on normal protein function.

NM_005529.7(HSPG2):c.7331C>T (p.Ser2444Leu)

Gene: HSPG2 (heparan sulfate proteoglycan 2; minus strand). Cytogenetic location: 1p36.12.
Variant type: single nucleotide variant.
Coding change: c.7331C>T on transcript NM_005529.7 (MANE Select); coding-DNA position 7331, C replaced by T.
Protein change: p.Ser2444Leu; replaces serine 2444 with leucine.
Molecular consequence: missense variant.
Genome position (GRCh38, 1-based): chr1:21,850,156, G>A on the plus strand (C>T on the coding strand, the complement: HSPG2 is on the minus strand). VCF-style: chr1-21850156-G-A. GRCh37 (hg19) VCF-style: chr1-22176649-G-A.
Other names: c.7334C>T, p.Ser2445Leu (NM_001291860.2); c.7331C>T (NM_005529.5); short protein forms S2444L, S2445L.
Identifiers: ClinVar variation 3571945 (VCV003571945.2).
Genomic context (GRCh38, chr1:21,850,156, plus strand): 5'-GCCTGACCAGCAACGAGGCAGTTCAGGTCCAGGGTCTGCCCCTCGGCCACTTGCGAAGAC[G>A]ATGACTCGATCCGGACCGTGGGGGTGACCCCAAGTGCTGGGGACAGAGGGCAAAGGGTCA-3'
Protein context (NP_005520.4, residues 2434-2454): GVTPTVRIES[Ser2444Leu]SSQVAEGQTL